The following is an entry in ClinVar:

NM_001042545.2(LTBP4):c.1437C>T (p.Ser479=)

Gene: LTBP4 (latent transforming growth factor beta binding protein 4; plus strand). Cytogenetic location: 19q13.2.
Variant type: single nucleotide variant.
Coding change: c.1437C>T on transcript NM_001042545.2 (MANE Select); coding-DNA position 1437, C replaced by T.
Protein change: p.Ser479=; no amino-acid change (serine 479 retained).
Molecular consequence: synonymous variant.
Genome position (GRCh38, 1-based): chr19:40,609,540, C>T. VCF-style: chr19-40609540-C-T. GRCh37 (hg19) VCF-style: chr19-41115446-C-T.
Other names: c.1638C>T, p.Ser546= (NM_001042544.1); c.1527C>T, p.Ser509= (NM_003573.2).
Identifiers: ClinVar variation 3045652 (VCV003045652.2), dbSNP rs935109582, ClinGen allele CA308450482.

ClinVar aggregate classification (germline): Likely benign (0 of 4 stars; one submission).

Conditions:
LTBP4-related disorder. Also called: LTBP4-related condition.

Allele frequency attached by ClinVar (database versions not stated): gnomAD exomes below 0.00001.
gnomAD v4.1: 1 of 1,613,054 alleles (0.000062%); highest among the groups gnomAD compares: Non-Finnish European, 0.000085%; no homozygotes.

Submission:

PreventionGenetics, part of Exact Sciences
Classification: Likely benign for LTBP4-related condition. Last evaluated: 2023-03-21. Review status: no assertion criteria provided. Collection method: clinical testing. Allele origin: germline.
Comment: This variant is classified as likely benign based on ACMG/AMP sequence variant interpretation guidelines (Richards et al. 2015 PMID: 25741868, with internal and published modifications).